The following is an entry in ClinVar:

ClinVar aggregate classification (germline): Likely pathogenic (1 of 4 stars; one submission).

Allele frequency attached by ClinVar (database versions not stated): gnomAD exomes below 0.00001.
gnomAD v4.1: 1 of 1,613,978 alleles (0.000062%); highest among the groups gnomAD compares: Non-Finnish European, 0.000085%; no homozygotes.

Submission:

Labcorp Genetics (formerly Invitae), Labcorp
Classification: Likely pathogenic. Last evaluated: 2022-12-23. Review status: criteria provided, single submitter. Criteria: Invitae Variant Classification Sherloc (09022015). Collection method: clinical testing. Allele origin: germline.
Comment: This sequence change affects an acceptor splice site in intron 29 of the COL7A1 gene. It is expected to disrupt RNA splicing. Variants that disrupt the donor or acceptor splice site typically lead to a loss of protein function (PMID: 16199547), and loss-of-function variants in COL7A1 are known to be pathogenic (PMID: 16971478). This variant is not present in population databases (gnomAD no frequency). In summary, the currently available evidence indicates that the variant is pathogenic, but additional data are needed to prove that conclusively. Therefore, this variant has been classified as Likely Pathogenic. Algorithms developed to predict the effect of sequence changes on RNA splicing suggest that this variant may disrupt the consensus splice site. This variant has not been reported in the literature in individuals affected with COL7A1-related conditions.

Literature cited by the submitters: PubMed 16199547; PubMed 16971478.

NM_000094.4(COL7A1):c.3787-2A>G

Gene: COL7A1 (collagen type VII alpha 1 chain; minus strand). Cytogenetic location: 3p21.31.
Variant type: single nucleotide variant.
Coding change: c.3787-2A>G on transcript NM_000094.4 (MANE Select); the canonical splice acceptor site of the intron before coding-DNA position 3787, A replaced by G.
Molecular consequence: splice acceptor variant.
Genome position (GRCh38, 1-based): chr3:48,585,736, T>C on the plus strand (A>G on the coding strand, the complement: COL7A1 is on the minus strand). VCF-style: chr3-48585736-T-C. GRCh37 (hg19) VCF-style: chr3-48623169-T-C.
Identifiers: ClinVar variation 2126308 (VCV002126308.4), dbSNP rs2045199597, ClinGen allele CA352701818.